The following is an entry in ClinVar:

NM_020297.4(ABCC9):c.1096_1111del (p.Arg366fs)

Gene: ABCC9 (ATP binding cassette subfamily C member 9; minus strand). Cytogenetic location: 12p12.1.
Variant type: Deletion.
Coding change: c.1096_1111del on transcript NM_020297.4 (MANE Select); coding-DNA positions 1096 to 1111, 16 bases deleted (AGGACATTTTTGCAGG).
Protein change: p.Arg366fs; shifts the reading frame from arginine 366.
Molecular consequence: frameshift variant.
Genome position (GRCh38, 1-based): chr12:21,910,879-21,910,894, CCTGCAAAAATGTCCT deleted on the plus strand (AGGACATTTTTGCAGG on the coding strand, the reverse complement: ABCC9 is on the minus strand). VCF-style (leftmost placement, unchanged base first): chr12-21910878-GCCTGCAAAAATGTCCT-G. GRCh37 (hg19) VCF-style: chr12-22063812-GCCTGCAAAAATGTCCT-G.
Other names: c.1096_1111del, p.Arg366fs (NM_001377273.1, NM_005691.4); c.232_247del, p.Arg78fs (NM_001377274.1); short protein forms R366fs, R78fs.
Identifiers: ClinVar variation 3305572 (VCV003305572.1).

ClinVar aggregate classification (germline): Uncertain significance (1 of 4 stars; one submission).

Conditions:
Cardiovascular phenotype. Identifiers: MedGen CN230736.

Submission:

Ambry Genetics
Classification: Uncertain significance for Cardiovascular phenotype. Last evaluated: 2024-05-06. Review status: criteria provided, single submitter. Criteria: Ambry Variant Classification Scheme 2023. Collection method: clinical testing. Allele origin: germline.
Comment: The c.1096_1111del16 variant, located in coding exon 7 of the ABCC9 gene, results from a deletion of 16 nucleotides at nucleotide positions 1096 to 1111, causing a translational frameshift with a predicted alternate stop codon (p.R366Lfs*5). This alteration is expected to result in protein truncation or nonsense-mediated mRNA decay. However, loss of function of ABCC9 has not been established as a mechanism of disease. Based on the available evidence, the clinical significance of this alteration remains unclear.